The following is an entry in ClinVar:

ClinVar aggregate classification (germline): Uncertain significance (1 of 4 stars; one submission).

Conditions:
Immunodeficiency 23 (IMD23). Also called: IMMUNODEFICIENCY WITH HYPER IgE AND COGNITIVE IMPAIRMENT; IMMUNODEFICIENCY-VASCULITIS-MYOCLONUS SYNDROME. Identifiers: Orphanet 443811, MedGen C4014371, MONDO:0014353, OMIM 615816.

Allele frequency attached by ClinVar (database versions not stated): TOPMed 0.00001; gnomAD exomes below 0.00001; ExAC 0.00001.

Submission:

Labcorp Genetics (formerly Invitae), Labcorp
Classification: Uncertain significance for Immunodeficiency 23. Last evaluated: 2022-03-19. Review status: criteria provided, single submitter. Criteria: Invitae Variant Classification Sherloc (09022015). Collection method: clinical testing. Allele origin: germline.
Comment: This sequence change replaces lysine, which is basic and polar, with threonine, which is neutral and polar, at codon 82 of the PGM3 protein (p.Lys82Thr). This variant is present in population databases (rs745501523, gnomAD 0.0009%). This variant has not been reported in the literature in individuals affected with PGM3-related conditions. ClinVar contains an entry for this variant (Variation ID: 1005775). Algorithms developed to predict the effect of missense changes on protein structure and function (SIFT, PolyPhen-2, Align-GVGD) all suggest that this variant is likely to be tolerated. In summary, the available evidence is currently insufficient to determine the role of this variant in disease. Therefore, it has been classified as a Variant of Uncertain Significance.

NM_015599.3(PGM3):c.161A>C (p.Lys54Thr)

Gene: PGM3 (phosphoglucomutase 3; minus strand). Cytogenetic location: 6q14.1.
Variant type: single nucleotide variant.
Coding change: c.161A>C on transcript NM_015599.3 (MANE Select); coding-DNA position 161, A replaced by C.
Protein change: p.Lys54Thr; replaces lysine 54 with threonine.
Molecular consequence: missense variant. On other transcripts: non-coding transcript variant (1), intron variant (1).
Genome position (GRCh38, 1-based): chr6:83,190,852, T>G on the plus strand (A>C on the coding strand, the complement: PGM3 is on the minus strand). VCF-style: chr6-83190852-T-G. GRCh37 (hg19) VCF-style: chr6-83900571-T-G.
Other names: c.245A>C, p.Lys82Thr (NM_001199917.2, NM_001367287.1); c.161A>C, p.Lys54Thr (NM_001199919.2, NM_001367286.1); c.-39-2054A>C (NM_001199918.2); short protein forms K54T, K82T.
Identifiers: ClinVar variation 1005775 (VCV001005775.4), dbSNP rs745501523, ClinGen allele CA3906882.
Genomic context (GRCh38, chr6:83,190,852, plus strand): 5'-GGCACTAAACCCATTACCTCAGGATTGTGGGACGCTGTTACCATGACTCCTATAGTGGAT[T>G]TTGTCTGTTTTGACCTCAGGACAGCTAATAATCCCATGCGAAACATGACATGATCAAGAT-3'
Protein context (NP_056414.1, residues 44-64): LLAVLRSKQT[Lys54Thr]STIGVMVTAS